The following is an entry in ClinVar:

NM_007214.5(SEC63):c.*1612T>C

Gene: SEC63 (SEC63 homolog, protein translocation regulator; minus strand). Cytogenetic location: 6q21.
Variant type: single nucleotide variant.
Coding change: c.*1612T>C on transcript NM_007214.5 (MANE Select); 1612 bases downstream of the stop codon, T replaced by C.
Molecular consequence: 3 prime UTR variant.
Genome position (GRCh38, 1-based): chr6:107,870,092, A>G on the plus strand (T>C on the coding strand, the complement: SEC63 is on the minus strand). VCF-style: chr6-107870092-A-G. GRCh37 (hg19) VCF-style: chr6-108191296-A-G.
Identifiers: ClinVar variation 354867 (VCV000354867.5), dbSNP rs76842245, ClinGen allele CA10625588.
Genomic context (GRCh38, chr6:107,870,092, plus strand): 5'-CACTTGACACCAGCTGGCTTACCCCCTGCCACCACACTTAGGTAATCAGTAGCTGCCTCA[A>G]GACACTGGTGCTTCACAGCAGAACCTGATTTGAAAATTAAACCCACCCTCCTACTTGTAC-3'

ClinVar aggregate classification (germline): Benign (1 of 4 stars; one submission).

Conditions:
Polycystic liver disease 2 (PCLD2). Also called: Polycystic liver disease 2 with or without kidney cysts. Identifiers: Orphanet 2924, MedGen C4310769, MONDO:0014860, OMIM 617004.

Allele frequency attached by ClinVar (database versions not stated): TOPMed 0.00042; 1000 Genomes Project 30x 0.00203; gnomAD 0.00018 and 0.00032; 1000 Genomes Project 0.00220.

Submission:

Illumina Laboratory Services, Illumina
Classification: Benign for Polycystic liver disease 2. Last evaluated: 2018-01-13. Review status: criteria provided, single submitter. Criteria: ICSL Variant Classification Criteria 13 December 2019. Collection method: clinical testing. Allele origin: germline.
Comment: This variant was observed in the ICSL laboratory as part of a predisposition screen in an ostensibly healthy population. It had not been previously curated by ICSL or reported in the Human Gene Mutation Database (HGMD: prior to June 1st, 2018), and was therefore a candidate for classification through an automated scoring system. Utilizing variant allele frequency, disease prevalence and penetrance estimates, and inheritance mode, an automated score was calculated to assess if this variant is too frequent to cause the disease. Based on the score and internal cut-off values, a variant classified as benign is not then subjected to further curation. The score for this variant resulted in a classification of benign for this disease.